The following is an entry in ClinVar:

ClinVar aggregate classification (germline): Uncertain significance (1 of 4 stars; one submission).

gnomAD v4.1: 1 of 1,595,794 alleles (0.000063%); no homozygotes.

Submission:

GeneDx
Classification: Uncertain significance. Last evaluated: 2022-11-13. Review status: criteria provided, single submitter. Criteria: GeneDx Variant Classification Process June 2021. Collection method: clinical testing. Allele origin: germline. Affected: yes.
Comment: Not observed at significant frequency in large population cohorts (gnomAD); In silico analysis supports that this missense variant does not alter protein structure/function; Has not been previously published as pathogenic or benign to our knowledge

NM_015001.3(SPEN):c.9946C>G (p.Pro3316Ala)

Gene: SPEN (spen family transcriptional repressor; plus strand). Cytogenetic location: 1p36.13.
Variant type: single nucleotide variant.
Coding change: c.9946C>G on transcript NM_015001.3 (MANE Select); coding-DNA position 9946, C replaced by G.
Protein change: p.Pro3316Ala; replaces proline 3316 with alanine.
Molecular consequence: missense variant.
Genome position (GRCh38, 1-based): chr1:15,936,186, C>G. VCF-style: chr1-15936186-C-G. GRCh37 (hg19) VCF-style: chr1-16262681-C-G.
Other names: short protein forms P3316A.
Identifiers: ClinVar variation 2502064 (VCV002502064.1), dbSNP rs2071273377, ClinGen allele CA338660460.
Genomic context (GRCh38, chr1:15,936,186, plus strand): 5'-GTGCACTCCAGCGGGGAGCTGTTTCAAGAGTACCGGTACGGCGACATCCGCACCTACCAC[C>G]CCCCGGCCCAGCTCACACACACTCAGTTTCCCGCCGCTTCCTCTGTTGGCCTGCCTTCCC-3'
Protein context (NP_055816.2, residues 3306-3326): YRYGDIRTYH[Pro3316Ala]PAQLTHTQFP